The following is an entry in ClinVar:

NM_001130144.3(LTBP3):c.2324C>G (p.Ala775Gly)

Genes: LTBP3 (latent transforming growth factor beta binding protein 3; minus strand), LOC130006029 (ATAC-STARR-seq lymphoblastoid silent region 3532; plus strand). Cytogenetic location: 11q13.1.
Variant type: single nucleotide variant.
Coding change: c.2324C>G on transcript NM_001130144.3 (MANE Select); coding-DNA position 2324, C replaced by G.
Protein change: p.Ala775Gly; replaces alanine 775 with glycine.
Molecular consequence: missense variant.
Genome position (GRCh38, 1-based): chr11:65,546,471, G>C on the plus strand (C>G on the coding strand, the complement: LTBP3 is on the minus strand). VCF-style: chr11-65546471-G-C. GRCh37 (hg19) VCF-style: chr11-65313942-G-C.
Other names: c.1973C>G, p.Ala658Gly (NM_001164266.1); c.2324C>G, p.Ala775Gly (NM_021070.4); short protein forms A658G, A775G.
Identifiers: ClinVar variation 3868966 (VCV003868966.1).

ClinVar aggregate classification (germline): Uncertain significance (1 of 4 stars; one submission).

Conditions:
Inborn genetic diseases. Identifiers: MedGen C0950123, MeSH D030342.

gnomAD v4.1: 1 of 1,584,480 alleles (0.000063%); highest among the groups gnomAD compares: Non-Finnish European, 0.000085%; no homozygotes.

Submission:

Ambry Genetics
Classification: Uncertain significance for Inborn genetic diseases. Last evaluated: 2024-12-17. Review status: criteria provided, single submitter. Criteria: Ambry Variant Classification Scheme 2023. Collection method: clinical testing. Allele origin: germline.
Comment: The p.A775G variant (also known as c.2324C>G), located in coding exon 16 of the LTBP3 gene, results from a C to G substitution at nucleotide position 2324. The alanine at codon 775 is replaced by glycine, an amino acid with similar properties. This amino acid position is conserved. In addition, this alteration is predicted to be tolerated by in silico analysis. Based on the available evidence, the clinical significance of this variant remains unclear.